The following is an entry in ClinVar:

ClinVar aggregate classification (germline): Uncertain significance (1 of 4 stars; one submission).

Conditions:
EGFR-related lung cancer (EGFR). Identifiers: MedGen CN130014.

gnomAD v4.1: 1 of 1,614,120 alleles (0.000062%); highest among the groups gnomAD compares: Non-Finnish European, 0.000085%; no homozygotes.

Submission:

Labcorp Genetics (formerly Invitae), Labcorp
Classification: Uncertain significance for EGFR-related lung cancer. Last evaluated: 2024-05-19. Review status: criteria provided, single submitter. Criteria: Invitae Variant Classification Sherloc (09022015). Collection method: clinical testing. Allele origin: germline.
Comment: This sequence change replaces valine, which is neutral and non-polar, with isoleucine, which is neutral and non-polar, at codon 1147 of the EGFR protein (p.Val1147Ile). This variant is not present in population databases (gnomAD no frequency). This variant has not been reported in the literature in individuals affected with EGFR-related conditions. Algorithms developed to predict the effect of missense changes on protein structure and function output the following: SIFT: "Not Available"; PolyPhen-2: "Benign"; Align-GVGD: "Not Available". The isoleucine amino acid residue is found in multiple mammalian species, which suggests that this missense change does not adversely affect protein function. In summary, the available evidence is currently insufficient to determine the role of this variant in disease. Therefore, it has been classified as a Variant of Uncertain Significance.

NM_005228.5(EGFR):c.3439G>A (p.Val1147Ile)

Gene: EGFR (epidermal growth factor receptor; plus strand). Cytogenetic location: 7p11.2.
Variant type: single nucleotide variant.
Coding change: c.3439G>A on transcript NM_005228.5 (MANE Select); coding-DNA position 3439, G replaced by A.
Protein change: p.Val1147Ile; replaces valine 1147 with isoleucine.
Molecular consequence: missense variant.
Genome position (GRCh38, 1-based): chr7:55,205,423, G>A. VCF-style: chr7-55205423-G-A. GRCh37 (hg19) VCF-style: chr7-55273116-G-A.
Other names: c.3304G>A, p.Val1102Ile (NM_001346899.2); c.3280G>A, p.Val1094Ile (NM_001346900.2); c.2638G>A, p.Val880Ile (NM_001346941.2); short protein forms V1094I, V1102I, V1147I, V880I.
Identifiers: ClinVar variation 3653824 (VCV003653824.2).